The following is an entry in ClinVar:

ClinVar aggregate classification (germline): Likely benign (1 of 4 stars; one submission).

Submission:

CeGaT Center for Human Genetics Tuebingen
Classification: Likely benign. Last evaluated: 2023-01-01. Review status: criteria provided, single submitter. Criteria: CeGaT Center For Human Genetics Tuebingen Variant Classification Criteria Version 2. Collection method: clinical testing. Allele origin: germline. Affected: yes. Observed: 1 variant allele.
Comment: NTRK1: PM2:Supporting, BP4, BP7

NM_002529.4(NTRK1):c.2232T>G (p.Arg744=)

Gene: NTRK1 (neurotrophic receptor tyrosine kinase 1; plus strand). Cytogenetic location: 1q23.1.
Variant type: single nucleotide variant.
Coding change: c.2232T>G on transcript NM_002529.4 (MANE Select); coding-DNA position 2232, T replaced by G.
Protein change: p.Arg744=; no amino-acid change (arginine 744 retained).
Molecular consequence: synonymous variant.
Genome position (GRCh38, 1-based): chr1:156,881,483, T>G. VCF-style: chr1-156881483-T-G. GRCh37 (hg19) VCF-style: chr1-156851275-T-G.
Other names: c.2232T>G, p.Arg744= (NM_001007204.1); c.2124T>G, p.Arg708= (NM_001007792.1); c.2214T>G, p.Arg738= (NM_001012331.2).
Identifiers: ClinVar variation 2498434 (VCV002498434.28), dbSNP rs2102930669, ClinGen allele CA421140605.